The following is an entry in ClinVar:

NM_000138.5(FBN1):c.7667T>G (p.Phe2556Cys)

Gene: FBN1 (fibrillin 1; minus strand). Cytogenetic location: 15q21.1.
Variant type: single nucleotide variant.
Coding change: c.7667T>G on transcript NM_000138.5 (MANE Select); coding-DNA position 7667, T replaced by G.
Protein change: p.Phe2556Cys; replaces phenylalanine 2556 with cysteine.
Molecular consequence: missense variant.
Genome position (GRCh38, 1-based): chr15:48,421,590, A>C on the plus strand (T>G on the coding strand, the complement: FBN1 is on the minus strand). VCF-style: chr15-48421590-A-C. GRCh37 (hg19) VCF-style: chr15-48713787-A-C.
Other names: c.7667T>G, p.Phe2556Cys (NM_001406716.1); short protein forms F2556C.
Identifiers: ClinVar variation 4789630 (VCV004789630.1).

ClinVar aggregate classification (germline): Likely pathogenic (1 of 4 stars; one submission).

Conditions:
Marfan syndrome (MFS). Also called: FBN1-Related Marfan Syndrome; MARFAN SYNDROME, TYPE I; Marfan syndrome type 1; Marfan's syndrome; Marfan syndrome, classic. Identifiers: Orphanet 284963, Orphanet 558, MedGen C0024796, MONDO:0007947, OMIM 154700.
Familial thoracic aortic aneurysm and aortic dissection (TAAD). Also called: Thoracic aortic aneurysms and dissections. Identifiers: Orphanet 91387, MedGen C4707243, MONDO:0019625.

Submission:

Labcorp Genetics (formerly Invitae), Labcorp
Classification: Likely pathogenic for Marfan syndrome; Familial thoracic aortic aneurysm and aortic dissection. Last evaluated: 2026-01-06. Review status: criteria provided, single submitter. Criteria: Invitae Variant Classification Sherloc (09022015). Collection method: clinical testing. Allele origin: germline.
Comment: This sequence change replaces phenylalanine, which is neutral and non-polar, with cysteine, which is neutral and slightly polar, at codon 2556 of the FBN1 protein (p.Phe2556Cys). This variant is not present in population databases (gnomAD no frequency). This missense change has been observed in individual(s) with clinical features of FBN1-related conditions (internal data). Invitae Evidence Modeling of protein sequence and biophysical properties (such as structural, functional, and spatial information, amino acid conservation, physicochemical variation, residue mobility, and thermodynamic stability) indicates that this missense variant is expected to disrupt FBN1 protein function with a positive predictive value of 95%. This variant disrupts the p.Phe2556 amino acid residue in FBN1. Other variant(s) that disrupt this residue have been determined to be pathogenic (internal data). This suggests that this residue is clinically significant, and that variants that disrupt this residue are likely to be disease-causing. In summary, the currently available evidence indicates that the variant is pathogenic, but additional data are needed to prove that conclusively. Therefore, this variant has been classified as Likely Pathogenic.